The following is an entry in ClinVar:

ClinVar aggregate classification (germline): Uncertain significance (1 of 4 stars; one submission).

Conditions:
GLUT1 deficiency syndrome 1, autosomal recessive. Identifiers: MedGen C3149117.

Submission:

Labcorp Genetics (formerly Invitae), Labcorp
Classification: Uncertain significance for GLUT1 deficiency syndrome 1, autosomal recessive. Last evaluated: 2022-10-09. Review status: criteria provided, single submitter. Criteria: Invitae Variant Classification Sherloc (09022015). Collection method: clinical testing. Allele origin: germline.
Comment: In summary, the available evidence is currently insufficient to determine the role of this variant in disease. Therefore, it has been classified as a Variant of Uncertain Significance. Experimental studies and prediction algorithms are not available or were not evaluated, and the functional significance of this variant is currently unknown. This variant has not been reported in the literature in individuals affected with SLC2A1-related conditions. This variant is not present in population databases (gnomAD no frequency). This variant, c.652_657del, results in the deletion of 2 amino acid(s) of the SLC2A1 protein (p.Arg218_Asn219del), but otherwise preserves the integrity of the reading frame.

NM_006516.4(SLC2A1):c.652_657del (p.Arg218_Asn219del)

Gene: SLC2A1 (solute carrier family 2 member 1; minus strand). Cytogenetic location: 1p34.2.
Variant type: Deletion.
Coding change: c.652_657del on transcript NM_006516.4 (MANE Select); coding-DNA positions 652 to 657, 6 bases deleted (CGCAAC; older notation c.652_657delCGCAAC).
Protein change: p.Arg218_Asn219del.
Molecular consequence: inframe deletion.
Genome position (GRCh38, 1-based): chr1:42,929,895-42,929,900, GTTGCG deleted on the plus strand (CGCAAC on the coding strand, the reverse complement: SLC2A1 is on the minus strand); deleting any 6 consecutive bases within chr1:42,929,895-42,929,904 gives the same sequence; the c. name uses the placement nearest the transcript's 3' end. VCF-style (leftmost placement, unchanged base first): chr1-42929894-CGTTGCG-C. GRCh37 (hg19) VCF-style: chr1-43395565-CGTTGCG-C.
Identifiers: ClinVar variation 2034958 (VCV002034958.4), dbSNP rs2524993502, ClinGen allele CA2580062811.
Genomic context (GRCh38, chr1:42,929,894, plus strand): 5'-GCTCAGGGAGTGGGGAGGAGGGCAGGGCCATGCCCGTACCACTCTTGGCCCGGTTCTCCT[CGTTGCG>C]GTTGATGAGCAGGAAGCGGGGACTCTCGGGGCAGAAGGGCAGCACGATGCACTGCAGCAG-3'